The following is an entry in ClinVar:

ClinVar aggregate classification (germline): Likely benign. Review status: criteria provided, single submitter (1 of 4 stars). 2 submissions from 2 submitters: Likely benign (1). 1 of the submissions does not count toward it. Last evaluated 2026-06-01.

Conditions:
TAOK1-related disorder. Also called: TAOK1-related condition.

Allele frequency attached by ClinVar (database versions not stated): gnomAD exomes 0.00037; ExAC 0.00102; 1000 Genomes Project 30x 0.00250; 1000 Genomes Project 0.00260.
gnomAD v4.1: 634 of 1,613,464 alleles (0.039%); highest among the groups gnomAD compares: East Asian, 1%; 9 homozygotes.

Submissions (2):

CeGaT Center for Human Genetics Tuebingen
Classification: Likely benign. Last evaluated: 2026-06-01. Review status: criteria provided, single submitter. Criteria: CeGaT Center For Human Genetics Tuebingen Variant Classification Criteria Version 2. Collection method: clinical testing. Allele origin: germline. Affected: yes. Observed: 2 variant alleles.
Comment: TAOK1: BP4, BP7, BS1

PreventionGenetics, part of Exact Sciences
Classification: Benign for TAOK1-related condition. Last evaluated: 2019-11-16. Review status: no assertion criteria provided. Collection method: clinical testing. Allele origin: germline. Not counted in ClinVar's aggregate classification.
Comment: This variant is classified as benign based on ACMG/AMP sequence variant interpretation guidelines (Richards et al. 2015 PMID: 25741868, with internal and published modifications).

NM_020791.4(TAOK1):c.30G>A (p.Leu10=)

Gene: TAOK1 (TAO kinase 1; plus strand). Cytogenetic location: 17q11.2.
Variant type: single nucleotide variant.
Coding change: c.30G>A on transcript NM_020791.4 (MANE Select); coding-DNA position 30, G replaced by A.
Protein change: p.Leu10=; no amino-acid change (leucine 10 retained).
Molecular consequence: synonymous variant.
Genome position (GRCh38, 1-based): chr17:29,451,578, G>A. VCF-style: chr17-29451578-G-A. GRCh37 (hg19) VCF-style: chr17-27778596-G-A.
Other names: c.30G>A (NM_020791.2); c.30G>A, p.Leu10= (NM_025142.1).
Identifiers: ClinVar variation 2647609 (VCV002647609.25), dbSNP rs138594590, ClinGen allele CA8474340.
Genomic context (GRCh38, chr17:29,451,578, plus strand): 5'-TTAGAATCAAGACAGCTGACTGCTCAGCAGGATGCCATCAACTAACAGAGCAGGCAGCCT[G>A]AAGGACCCTGAAATTGCAGAGCTCTTCTTCAAAGAAGATCCAGAGAAGCTCTTCACAGAT-3'
Protein context (NP_065842.1, residues 1-20): MPSTNRAGS[Leu10=]KDPEIAELFF